The following is an entry in ClinVar:

NM_031220.4(PITPNM3):c.2917G>T (p.Val973Leu)

Genes: PITPNM3 (PITPNM family member 3; minus strand), LOC130060086 (ATAC-STARR-seq lymphoblastoid silent region 8076; plus strand). Cytogenetic location: 17p13.2.
Variant type: single nucleotide variant.
Coding change: c.2917G>T on transcript NM_031220.4 (MANE Select); coding-DNA position 2917, G replaced by T.
Protein change: p.Val973Leu; replaces valine 973 with leucine.
Molecular consequence: missense variant.
Genome position (GRCh38, 1-based): chr17:6,455,346, C>A on the plus strand (G>T on the coding strand, the complement: PITPNM3 is on the minus strand). VCF-style: chr17-6455346-C-A. GRCh37 (hg19) VCF-style: chr17-6358666-C-A.
Other names: c.2809G>T, p.Val937Leu (NM_001165966.2); short protein forms V937L, V973L.
Identifiers: ClinVar variation 1498246 (VCV001498246.6), dbSNP rs2150711290, ClinGen allele CA397399512.

ClinVar aggregate classification (germline): Uncertain significance (1 of 4 stars; one submission).

Submission:

Labcorp Genetics (formerly Invitae), Labcorp
Classification: Uncertain significance. Last evaluated: 2022-01-13. Review status: criteria provided, single submitter. Criteria: Invitae Variant Classification Sherloc (09022015). Collection method: clinical testing. Allele origin: germline.
Comment: In summary, the available evidence is currently insufficient to determine the role of this variant in disease. Therefore, it has been classified as a Variant of Uncertain Significance. Algorithms developed to predict the effect of missense changes on protein structure and function (SIFT, PolyPhen-2, Align-GVGD) all suggest that this variant is likely to be tolerated. This variant has not been reported in the literature in individuals affected with PITPNM3-related conditions. This variant is not present in population databases (gnomAD no frequency). This sequence change replaces valine, which is neutral and non-polar, with leucine, which is neutral and non-polar, at codon 973 of the PITPNM3 protein (p.Val973Leu).